The following is an entry in ClinVar:

ClinVar aggregate classification (germline): Uncertain significance (1 of 4 stars; one submission).

Allele frequency attached by ClinVar (database versions not stated): gnomAD exomes 0.00001; gnomAD 0.00002; TOPMed 0.00002.
gnomAD v4.1: 14 of 1,609,566 alleles (0.00087%); highest among the groups gnomAD compares: Admixed American, 0.0085%; no homozygotes.

Submission:

Labcorp Genetics (formerly Invitae), Labcorp
Classification: Uncertain significance. Last evaluated: 2022-03-15. Review status: criteria provided, single submitter. Criteria: Invitae Variant Classification Sherloc (09022015). Collection method: clinical testing. Allele origin: germline.
Comment: This sequence change replaces cysteine, which is neutral and slightly polar, with arginine, which is basic and polar, at codon 129 of the C11orf70 protein (p.Cys129Arg). This variant is present in population databases (no rsID available, gnomAD 0.009%). This variant has not been reported in the literature in individuals affected with C11orf70-related conditions. Algorithms developed to predict the effect of missense changes on protein structure and function (SIFT, PolyPhen-2, Align-GVGD) all suggest that this variant is likely to be disruptive. In summary, the available evidence is currently insufficient to determine the role of this variant in disease. Therefore, it has been classified as a Variant of Uncertain Significance.

NM_032930.3(CFAP300):c.385T>C (p.Cys129Arg)

Gene: CFAP300 (cilia and flagella associated protein 300; plus strand). Cytogenetic location: 11q22.1.
Variant type: single nucleotide variant.
Coding change: c.385T>C on transcript NM_032930.3 (MANE Select); coding-DNA position 385, T replaced by C.
Protein change: p.Cys129Arg; replaces cysteine 129 with arginine.
Molecular consequence: missense variant. On other transcripts: intron variant (1).
Genome position (GRCh38, 1-based): chr11:102,066,601, T>C. VCF-style: chr11-102066601-T-C. GRCh37 (hg19) VCF-style: chr11-101937332-T-C.
Other names: c.385T>C, p.Cys129Arg (NM_001363505.2); c.268+7646T>C (NM_001195005.2); short protein forms C129R.
Identifiers: ClinVar variation 1989970 (VCV001989970.1), dbSNP rs1243734974, ClinGen allele CA382489332.